The following is an entry in ClinVar:

NM_000059.4(BRCA2):c.10159A>T (p.Thr3387Ser)

Gene: BRCA2 (BRCA2 DNA repair associated; plus strand). Cytogenetic location: 13q13.1.
Variant type: single nucleotide variant.
Coding change: c.10159A>T on transcript NM_000059.4 (MANE Select); coding-DNA position 10159, A replaced by T.
Protein change: p.Thr3387Ser; replaces threonine 3387 with serine.
Molecular consequence: missense variant.
Genome position (GRCh38, 1-based): chr13:32,398,672, A>T. VCF-style: chr13-32398672-A-T. GRCh37 (hg19) VCF-style: chr13-32972809-A-T.
Other names: short protein forms T3387S.
Identifiers: ClinVar variation 185931 (VCV000185931.16), dbSNP rs786202571, ClinGen allele CA010393.

ClinVar aggregate classification (germline): Uncertain significance. Review status: criteria provided, multiple submitters, no conflicts (2 of 4 stars). 3 submissions from 3 submitters: Uncertain significance (3). Last evaluated 2023-10-02.

Conditions:
Hereditary cancer-predisposing syndrome. Also called: Hereditary Cancer Syndrome; Neoplastic Syndromes, Hereditary; Tumor predisposition; Hereditary neoplastic syndrome. Identifiers: Orphanet 140162, MedGen C0027672, MeSH D009386, MONDO:0015356.
Hereditary breast ovarian cancer syndrome. Also called: Hereditary breast and ovarian cancer; Hereditary breast and ovarian cancer syndrome; Breast and ovarian cancer; Hereditary breast and ovarian cancer syndrome (HBOC); Hereditary breast and/or ovarian cancer syndrome; BRCA1- and BRCA2-Associated Hereditary Breast and Ovarian Cancer. Identifiers: Orphanet 145, MedGen C0677776, MeSH D061325, MONDO:0003582. Disease mechanism: loss of function.
Breast-ovarian cancer, familial, susceptibility to, 2 (BROVCA2). Also called: BRCA2 Hereditary Breast and Ovarian Cancer. Identifiers: Orphanet 145, MedGen C2675520, MONDO:0012933, OMIM 612555. Disease mechanism: loss of function.

Submissions (3):

All of Us Research Program, National Institutes of Health
Classification: Uncertain significance for Breast-ovarian cancer, familial, susceptibility to, 2. Last evaluated: 2023-10-02. Review status: criteria provided, single submitter. Criteria: ACMG Guidelines, 2015. Collection method: clinical testing. Allele origin: germline. Inheritance: Autosomal dominant inheritance. Observed: 1 variant allele, 1 heterozygote.
Comment: This missense variant replaces threonine with serine at codon 3387 of the BRCA2 protein. Computational prediction suggests that this variant may not impact protein structure and function (internally defined REVEL score threshold <= 0.5, PMID: 27666373). To our knowledge, functional studies have not been reported for this variant. This variant has not been reported in individuals affected with BRCA2-related disorders in the literature. This variant has not been identified in the general population by the Genome Aggregation Database (gnomAD). The available evidence is insufficient to determine the role of this variant in disease conclusively. Therefore, this variant is classified as a Variant of Uncertain Significance.

This study involves interpretation of variants in research participants for the purpose of population health screening. Participant phenotype was not available at the time of variant classification. Additional details can be found in publication PMID: 35346344, PMCID: PMC8962531

Labcorp Genetics (formerly Invitae), Labcorp
Classification: Uncertain significance for Hereditary breast ovarian cancer syndrome. Last evaluated: 2023-05-31. Review status: criteria provided, single submitter. Criteria: Invitae Variant Classification Sherloc (09022015). Collection method: clinical testing. Allele origin: germline.
Comment: Advanced modeling of protein sequence and biophysical properties (such as structural, functional, and spatial information, amino acid conservation, physicochemical variation, residue mobility, and thermodynamic stability) performed at Invitae indicates that this missense variant is not expected to disrupt BRCA2 protein function. In summary, the available evidence is currently insufficient to determine the role of this variant in disease. Therefore, it has been classified as a Variant of Uncertain Significance. This variant is not present in population databases (gnomAD no frequency). This sequence change replaces threonine, which is neutral and polar, with serine, which is neutral and polar, at codon 3387 of the BRCA2 protein (p.Thr3387Ser). ClinVar contains an entry for this variant (Variation ID: 185931). This variant has not been reported in the literature in individuals affected with BRCA2-related conditions.

Ambry Genetics
Classification: Uncertain significance for Hereditary cancer-predisposing syndrome. Last evaluated: 2022-12-24. Review status: criteria provided, single submitter. Criteria: Ambry Variant Classification Scheme 2023. Collection method: clinical testing. Allele origin: germline.
Comment: The p.T3387S variant (also known as c.10159A>T), located in coding exon 26 of the BRCA2 gene, results from an A to T substitution at nucleotide position 10159. The threonine at codon 3387 is replaced by serine, an amino acid with similar properties. This amino acid position is poorly conserved in available vertebrate species. In addition, this alteration is predicted to be tolerated by in silico analysis. Since supporting evidence is limited at this time, the clinical significance of this alteration remains unclear.